The following is an entry in ClinVar:

NM_004168.4(SDHA):c.1663+6C>G

Gene: SDHA (succinate dehydrogenase complex flavoprotein subunit A; plus strand). Cytogenetic location: 5p15.33.
Variant type: single nucleotide variant.
Coding change: c.1663+6C>G on transcript NM_004168.4 (MANE Select); 6 bases into the intron after coding-DNA position 1663, C replaced by G.
Molecular consequence: intron variant.
Genome position (GRCh38, 1-based): chr5:251,109, C>G. VCF-style: chr5-251109-C-G. GRCh37 (hg19) VCF-style: chr5-251224-C-G.
Other names: c.1552-3284C>G (NM_001330758.2); c.1519+6C>G (NM_001294332.2).
Identifiers: ClinVar variation 953352 (VCV000953352.8), dbSNP rs1736797323, ClinGen allele CA1139658731.

ClinVar aggregate classification (germline): Uncertain significance (1 of 4 stars; one submission).

Conditions:
Mitochondrial complex II deficiency, nuclear type 1. Also called: SUCCINATE CoQ REDUCTASE DEFICIENCY. Identifiers: Orphanet 3208, MedGen C5700310, MONDO:0100294, OMIM 252011.
Pheochromocytoma/paraganglioma syndrome 5. Also called: Paragangliomas 5; SDHA-Related Hereditary Paraganglioma-Pheochromocytoma Syndrome. Identifiers: Orphanet 29072, MedGen C3279992, MONDO:0013602, OMIM 614165.

Submission:

Labcorp Genetics (formerly Invitae), Labcorp
Classification: Uncertain significance for Pheochromocytoma/paraganglioma syndrome 5; Mitochondrial complex II deficiency, nuclear type 1. Last evaluated: 2022-03-18. Review status: criteria provided, single submitter. Criteria: Invitae Variant Classification Sherloc (09022015). Collection method: clinical testing. Allele origin: germline.
Comment: Variants that disrupt the consensus splice site are a relatively common cause of aberrant splicing (PMID: 17576681, 9536098). Algorithms developed to predict the effect of sequence changes on RNA splicing suggest that this variant is not likely to affect RNA splicing. ClinVar contains an entry for this variant (Variation ID: 953352). This variant has not been reported in the literature in individuals affected with SDHA-related conditions. This variant is not present in population databases (gnomAD no frequency). This sequence change falls in intron 12 of the SDHA gene. It does not directly change the encoded amino acid sequence of the SDHA protein. It affects a nucleotide within the consensus splice site. In summary, the available evidence is currently insufficient to determine the role of this variant in disease. Therefore, it has been classified as a Variant of Uncertain Significance.

Literature cited by the submitters: PubMed 17576681; PubMed 9536098.